The following is an entry in ClinVar:

NM_015272.5(RPGRIP1L):c.2354C>T (p.Thr785Ile)

Gene: RPGRIP1L (RPGRIP1 like; minus strand). Cytogenetic location: 16q12.2.
Variant type: single nucleotide variant.
Coding change: c.2354C>T on transcript NM_015272.5 (MANE Select); coding-DNA position 2354, C replaced by T.
Protein change: p.Thr785Ile; replaces threonine 785 with isoleucine.
Molecular consequence: missense variant.
Genome position (GRCh38, 1-based): chr16:53,645,954, G>A on the plus strand (C>T on the coding strand, the complement: RPGRIP1L is on the minus strand). VCF-style: chr16-53645954-G-A. GRCh37 (hg19) VCF-style: chr16-53679866-G-A.
Other names: c.2354C>T, p.Thr785Ile (NM_001127897.4, NM_001308334.3, NM_001330538.2); short protein forms T785I.
Identifiers: ClinVar variation 5000148 (VCV005000148.1).

ClinVar aggregate classification (germline): Uncertain significance (1 of 4 stars; one submission).

Conditions:
RPGRIP1L-related disorder. Also called: RPGRIP1L-related disorders; RPGRIP1L-related condition. Identifiers: MedGen CN239416.

Submission:

PreventionGenetics, part of Exact Sciences
Classification: Uncertain significance for RPGRIP1L-related condition. Last evaluated: 2025-09-23. Review status: criteria provided, single submitter. Criteria: ACMG Guidelines, 2015. Collection method: clinical testing. Allele origin: germline.
Comment: The RPGRIP1L c.2354C>T variant is predicted to result in the amino acid substitution p.Thr785Ile. To our knowledge, this variant has not been reported in the literature or in a large population database (gnomAD), indicating this variant is rare. At this time, the clinical significance of this variant is uncertain due to the absence of conclusive functional and genetic evidence.